The following is an entry in ClinVar:

ClinVar aggregate classification (germline): Uncertain significance. Review status: criteria provided, multiple submitters, no conflicts (2 of 4 stars). 2 submissions from 2 submitters: Uncertain significance (2). Last evaluated 2022-09-02.

Allele frequency attached by ClinVar (database versions not stated): gnomAD 0.00001; gnomAD exomes 0.00001 and 0.00002; TOPMed 0.00001.
gnomAD v4.1: 30 of 1,613,200 alleles (0.0019%); highest among the groups gnomAD compares: Non-Finnish European, 0.0025%; no homozygotes.

Submissions (2):

Blueprint Genetics
Classification: Uncertain significance. Last evaluated: 2022-09-02. Review status: criteria provided, single submitter. Criteria: ACMG Guidelines, 2015. Collection method: clinical testing. Allele origin: germline.

Labcorp Genetics (formerly Invitae), Labcorp
Classification: Uncertain significance. Last evaluated: 2021-09-01. Review status: criteria provided, single submitter. Criteria: Invitae Variant Classification Sherloc (09022015). Collection method: clinical testing. Allele origin: germline.
Comment: This sequence change replaces serine with alanine at codon 1677 of the ADGRV1 protein (p.Ser1677Ala). The serine residue is highly conserved and there is a moderate physicochemical difference between serine and alanine. This variant is not present in population databases (ExAC no frequency). This variant has not been reported in the literature in individuals affected with ADGRV1-related conditions. Algorithms developed to predict the effect of missense changes on protein structure and function are either unavailable or do not agree on the potential impact of this missense change (SIFT: "Deleterious"; PolyPhen-2: "Possibly Damaging"; Align-GVGD: "Class C0"). In summary, the available evidence is currently insufficient to determine the role of this variant in disease. Therefore, it has been classified as a Variant of Uncertain Significance.

NM_032119.4(ADGRV1):c.5029T>G (p.Ser1677Ala)

Gene: ADGRV1 (adhesion G protein-coupled receptor V1; plus strand). Cytogenetic location: 5q14.3.
Variant type: single nucleotide variant.
Coding change: c.5029T>G on transcript NM_032119.4 (MANE Select); coding-DNA position 5029, T replaced by G.
Protein change: p.Ser1677Ala; replaces serine 1677 with alanine.
Molecular consequence: missense variant. On other transcripts: non-coding transcript variant (1).
Genome position (GRCh38, 1-based): chr5:90,674,153, T>G. VCF-style: chr5-90674153-T-G. GRCh37 (hg19) VCF-style: chr5-89969970-T-G.
Other names: short protein forms S1677A.
Identifiers: ClinVar variation 969956 (VCV000969956.8), dbSNP rs1460856829, ClinGen allele CA360408036.